The following is an entry in ClinVar:

ClinVar aggregate classification (germline): Uncertain significance. Review status: criteria provided, multiple submitters, no conflicts (2 of 4 stars). 2 submissions from 2 submitters: Uncertain significance (2). Last evaluated 2025-09-28.

Conditions:
Fanconi anemia (FA). Also called: Fanconi's anemia. Identifiers: Orphanet 84, MedGen C0015625, MeSH D005199, MONDO:0019391.
Inborn genetic diseases. Identifiers: MedGen C0950123, MeSH D030342.

Allele frequency attached by ClinVar (database versions not stated): ExAC 0.00002; gnomAD exomes 0.00002.
gnomAD v4.1: 12 of 1,613,114 alleles (0.00074%); highest among the groups gnomAD compares: South Asian, 0.0099%; no homozygotes.

Submissions (2):

Ambry Genetics
Classification: Uncertain significance for Inborn genetic diseases. Last evaluated: 2025-09-28. Review status: criteria provided, single submitter. Criteria: Ambry Variant Classification Scheme 2023. Collection method: clinical testing. Allele origin: germline.

Labcorp Genetics (formerly Invitae), Labcorp
Classification: Uncertain significance for Fanconi anemia. Last evaluated: 2025-01-29. Review status: criteria provided, single submitter. Criteria: Invitae Variant Classification Sherloc (09022015). Collection method: clinical testing. Allele origin: germline.
Comment: This sequence change replaces leucine, which is neutral and non-polar, with methionine, which is neutral and non-polar, at codon 1357 of the SLX4 protein (p.Leu1357Met). This variant is present in population databases (rs775694333, gnomAD 0.02%). This variant has not been reported in the literature in individuals affected with SLX4-related conditions. ClinVar contains an entry for this variant (Variation ID: 655989). An algorithm developed to predict the effect of missense changes on protein structure and function (PolyPhen-2) suggests that this variant is likely to be disruptive. In summary, the available evidence is currently insufficient to determine the role of this variant in disease. Therefore, it has been classified as a Variant of Uncertain Significance.

NM_032444.4(SLX4):c.4069C>A (p.Leu1357Met)

Gene: SLX4 (SLX4 structure-specific endonuclease subunit; minus strand). Cytogenetic location: 16p13.3.
Variant type: single nucleotide variant.
Coding change: c.4069C>A on transcript NM_032444.4 (MANE Select); coding-DNA position 4069, C replaced by A.
Protein change: p.Leu1357Met; replaces leucine 1357 with methionine.
Molecular consequence: missense variant.
Genome position (GRCh38, 1-based): chr16:3,589,569, G>T on the plus strand (C>A on the coding strand, the complement: SLX4 is on the minus strand). VCF-style: chr16-3589569-G-T. GRCh37 (hg19) VCF-style: chr16-3639570-G-T.
Other names: c.4069C>A (LRG_503t1); short protein forms L1357M.
Identifiers: ClinVar variation 655989 (VCV000655989.9), dbSNP rs775694333, ClinGen allele CA7865740.